The following is an entry in ClinVar:

ClinVar aggregate classification (germline): Likely benign. Review status: criteria provided, multiple submitters, no conflicts (2 of 4 stars). 4 submissions from 4 submitters: Likely benign (3). 1 of the submissions does not count toward it. Last evaluated 2025-10-29.

Conditions:
CACNA1B-related disorder. Also called: CACNA1B-related condition.

Allele frequency attached by ClinVar (database versions not stated): gnomAD exomes 0.00007; ExAC 0.00012; gnomAD 0.00012; TOPMed 0.00012; 1000 Genomes Project 30x 0.00016; ESP Exome Variant Server 0.00016.
gnomAD v4.1: 122 of 1,612,204 alleles (0.0076%); highest among the groups gnomAD compares: Admixed American, 0.035%; no homozygotes.

Submissions (4):

Labcorp Genetics (formerly Invitae), Labcorp
Classification: Likely benign. Last evaluated: 2025-10-29. Review status: criteria provided, single submitter. Criteria: Invitae Variant Classification Sherloc (09022015). Collection method: clinical testing. Allele origin: germline.

CeGaT Center for Human Genetics Tuebingen
Classification: Likely benign. Last evaluated: 2025-09-01. Review status: criteria provided, single submitter. Criteria: CeGaT Center For Human Genetics Tuebingen Variant Classification Criteria Version 2. Collection method: clinical testing. Allele origin: germline. Affected: yes. Observed: 1 variant allele.
Comment: CACNA1B: BP4, BP7

Blueprint Genetics
Classification: Likely benign. Last evaluated: 2024-07-19. Review status: criteria provided, single submitter. Criteria: ACMG Guidelines, 2015. Collection method: clinical testing. Allele origin: germline.

PreventionGenetics, part of Exact Sciences
Classification: Likely benign for CACNA1B-related condition. Last evaluated: 2019-04-16. Review status: no assertion criteria provided. Collection method: clinical testing. Allele origin: germline. Not counted in ClinVar's aggregate classification.
Comment: This variant is classified as likely benign based on ACMG/AMP sequence variant interpretation guidelines (Richards et al. 2015 PMID: 25741868, with internal and published modifications).

NM_000718.4(CACNA1B):c.1350C>T (p.Arg450=)

Gene: CACNA1B (calcium voltage-gated channel subunit alpha1 B; plus strand). Cytogenetic location: 9q34.3.
Variant type: single nucleotide variant.
Coding change: c.1350C>T on transcript NM_000718.4 (MANE Select); coding-DNA position 1350, C replaced by T.
Protein change: p.Arg450=; no amino-acid change (arginine 450 retained).
Molecular consequence: synonymous variant.
Genome position (GRCh38, 1-based): chr9:137,971,399, C>T. VCF-style: chr9-137971399-C-T. GRCh37 (hg19) VCF-style: chr9-140865851-C-T.
Other names: c.1350C>T, p.Arg450= (NM_001243812.2); c.1350C>T (NM_000718.3).
Identifiers: ClinVar variation 2176195 (VCV002176195.14), dbSNP rs201843778, ClinGen allele CA5376149.